The following is an entry in ClinVar:

ClinVar aggregate classification (germline): Uncertain significance. Review status: criteria provided, multiple submitters, no conflicts (2 of 4 stars). 4 submissions from 4 submitters: Uncertain significance (4). Last evaluated 2025-09-10.

Conditions:
NPC1-related disorder. Also called: NPC1-related condition.
Niemann-Pick disease, type C1. Also called: NIEMANN-PICK DISEASE, VARIANT TYPE C1; NEUROVISCERAL STORAGE DISEASE WITH VERTICAL SUPRANUCLEAR OPHTHALMOPLEGIA; NIEMANN-PICK DISEASE WITH CHOLESTEROL ESTERIFICATION BLOCK; NIEMANN-PICK DISEASE WITHOUT SPHINGOMYELINASE DEFICIENCY; NIEMANN-PICK DISEASE, CHRONIC NEURONOPATHIC FORM. Identifiers: Orphanet 646, MedGen C3179455, MONDO:0009757, OMIM 257220.

Allele frequency attached by ClinVar (database versions not stated): gnomAD 0.00001; ExAC 0.00002; TOPMed 0.00002.
gnomAD v4.1: 35 of 1,614,038 alleles (0.0022%); highest among the groups gnomAD compares: South Asian, 0.03%; no homozygotes.

Submissions (4):

Women's Health and Genetics/Laboratory Corporation of America, LabCorp
Classification: Uncertain significance. Last evaluated: 2025-09-10. Review status: criteria provided, single submitter. Criteria: LabCorp Variant Classification Summary - May 2015. Collection method: clinical testing. Allele origin: germline.
Comment: Variant summary: NPC1 c.2455C>T (p.Arg819Cys) results in a non-conservative amino acid change in the encoded protein sequence. Algorithms developed to predict the effect of missense changes on protein structure and function are either unavailable or do not agree on the potential impact of this missense change. The variant allele was found at a frequency of 3.6e-05 in 251480 control chromosomes. The available data on variant occurrences in the general population are insufficient to allow any conclusion about variant significance. To our knowledge, no occurrence of c.2455C>T in individuals affected with NPC1-related conditions and no experimental evidence demonstrating its impact on protein function have been reported. ClinVar contains an entry for this variant (Variation ID: 2139604). Based on the evidence outlined above, the variant was classified as uncertain significance.

PreventionGenetics, part of Exact Sciences
Classification: Uncertain significance for NPC1-related condition. Last evaluated: 2024-12-30. Review status: criteria provided, single submitter. Criteria: ACMG Guidelines, 2015. Collection method: clinical testing. Allele origin: germline.
Comment: The NPC1 c.2455C>T variant is predicted to result in the amino acid substitution p.Arg819Cys. To our knowledge, this variant has not been reported in the literature. This variant is reported in 0.023% of alleles in individuals of South Asian descent in gnomAD. At this time, the clinical significance of this variant is uncertain due to the absence of conclusive functional and genetic evidence.

Blueprint Genetics
Classification: Uncertain significance. Last evaluated: 2023-05-23. Review status: criteria provided, single submitter. Criteria: ACMG Guidelines, 2015. Collection method: clinical testing. Allele origin: germline.

Labcorp Genetics (formerly Invitae), Labcorp
Classification: Uncertain significance for Niemann-Pick disease, type C1. Last evaluated: 2022-08-15. Review status: criteria provided, single submitter. Criteria: Invitae Variant Classification Sherloc (09022015). Collection method: clinical testing. Allele origin: germline.
Comment: This sequence change replaces arginine, which is basic and polar, with cysteine, which is neutral and slightly polar, at codon 819 of the NPC1 protein (p.Arg819Cys). This variant is present in population databases (rs762226042, gnomAD 0.02%). This variant has not been reported in the literature in individuals affected with NPC1-related conditions. Algorithms developed to predict the effect of missense changes on protein structure and function are either unavailable or do not agree on the potential impact of this missense change (SIFT: "Deleterious"; PolyPhen-2: "Benign"; Align-GVGD: "Class C0"). In summary, the available evidence is currently insufficient to determine the role of this variant in disease. Therefore, it has been classified as a Variant of Uncertain Significance.

NM_000271.5(NPC1):c.2455C>T (p.Arg819Cys)

Gene: NPC1 (NPC intracellular cholesterol transporter 1; minus strand). Cytogenetic location: 18q11.2.
Variant type: single nucleotide variant.
Coding change: c.2455C>T on transcript NM_000271.5 (MANE Select); coding-DNA position 2455, C replaced by T.
Protein change: p.Arg819Cys; replaces arginine 819 with cysteine.
Molecular consequence: missense variant.
Genome position (GRCh38, 1-based): chr18:23,541,127, G>A on the plus strand (C>T on the coding strand, the complement: NPC1 is on the minus strand). VCF-style: chr18-23541127-G-A. GRCh37 (hg19) VCF-style: chr18-21121091-G-A.
Other names: c.2455C>T (NM_000271.4); short protein forms R819C.
Identifiers: ClinVar variation 2139604 (VCV002139604.4), dbSNP rs762226042, ClinGen allele CA8913097.